The following is an entry in ClinVar:

NM_000143.4(FH):c.1355C>A (p.Ser452Tyr)

Gene: FH (fumarate hydratase; minus strand). Cytogenetic location: 1q43.
Variant type: single nucleotide variant.
Coding change: c.1355C>A on transcript NM_000143.4 (MANE Select); coding-DNA position 1355, C replaced by A.
Protein change: p.Ser452Tyr; replaces serine 452 with tyrosine.
Molecular consequence: missense variant.
Genome position (GRCh38, 1-based): chr1:241,500,472, G>T on the plus strand (C>A on the coding strand, the complement: FH is on the minus strand). VCF-style: chr1-241500472-G-T. GRCh37 (hg19) VCF-style: chr1-241663772-G-T.
Other names: short protein forms S452Y.
Identifiers: ClinVar variation 5021730 (VCV005021730.1).

ClinVar aggregate classification (germline): Uncertain significance (1 of 4 stars; one submission).

Conditions:
Hereditary cancer-predisposing syndrome. Also called: Neoplastic Syndromes, Hereditary; Tumor predisposition; Hereditary neoplastic syndrome; Hereditary Cancer Syndrome. Identifiers: Orphanet 140162, MedGen C0027672, MeSH D009386, MONDO:0015356.

Submission:

Ambry Genetics
Classification: Uncertain significance for Hereditary cancer-predisposing syndrome. Last evaluated: 2026-07-06. Review status: criteria provided, single submitter. Criteria: Ambry Variant Classification Scheme 2023. Collection method: clinical testing. Allele origin: germline.
Comment: The p.S452Y variant (also known as c.1355C>A), located in coding exon 9 of the FH gene, results from a C to A substitution at nucleotide position 1355. The serine at codon 452 is replaced by tyrosine, an amino acid with dissimilar properties. This amino acid position is conserved. In addition, this alteration is predicted to be deleterious by in silico analysis. Based on the available evidence, the clinical significance of this variant remains unclear.